The following is an entry in ClinVar:

ClinVar aggregate classification (germline): Pathogenic (1 of 4 stars; one submission).

Conditions:
Fanconi anemia (FA). Also called: Fanconi's anemia. Identifiers: Orphanet 84, MedGen C0015625, MeSH D005199, MONDO:0019391.

Submission:

Labcorp Genetics (formerly Invitae), Labcorp
Classification: Pathogenic for Fanconi anemia. Last evaluated: 2024-02-24. Review status: criteria provided, single submitter. Criteria: Invitae Variant Classification Sherloc (09022015). Collection method: clinical testing. Allele origin: germline.
Comment: This sequence change creates a premature translational stop signal (p.Gln615Argfs*24) in the FANCD2 gene. It is expected to result in an absent or disrupted protein product. Loss-of-function variants in FANCD2 are known to be pathogenic (PMID: 17436244). This variant is present in population databases (rs753830492, gnomAD 0.01%). This variant has not been reported in the literature in individuals affected with FANCD2-related conditions. For these reasons, this variant has been classified as Pathogenic.

Literature cited by the submitters: PubMed 17436244.

NM_001018115.3(FANCD2):c.1844del (p.Gln615fs)

Genes: FANCD2 (FA complementation group D2; plus strand), LOC107303338 (3p25 FANCD2 Alu-mediated recombination region; plus strand). Cytogenetic location: 3p25.3.
Variant type: Deletion.
Coding change: c.1844del on transcript NM_001018115.3 (MANE Select); coding-DNA position 1844, one base deleted (A; older notation c.1844delA).
Protein change: p.Gln615fs; shifts the reading frame from glutamine 615.
Molecular consequence: frameshift variant.
Genome position (GRCh38, 1-based): chr3:10,063,808, A deleted. VCF-style (leftmost placement, unchanged base first): chr3-10063807-CA-C. GRCh37 (hg19) VCF-style: chr3-10105491-CA-C.
Other names: c.1844del, p.Gln615fs (NM_001319984.2, NM_001374254.1, NM_033084.6); c.1733del, p.Gln578fs (NM_001374253.1); short protein forms Q578fs, Q615fs.
Identifiers: ClinVar variation 3710567 (VCV003710567.2).
Genomic context (GRCh38, chr3:10,063,807, plus strand): 5'-AGATTGGCAGCCCAAGGTTTAAACCATTCTTCCTCTTTGCTCCAGGTGACCTCCTTGTTG[CA>C]GTTGGTTCATTCCTGCAGTGAGCAGTCTCCTCAGGCCTCTGCACTTTACTATGATGAATT-3'